The following is an entry in ClinVar:

ClinVar aggregate classification (germline): Uncertain significance (1 of 4 stars; one submission).

Conditions:
Developmental and epileptic encephalopathy 94 (DEE94). Also called: Epileptic encephalopathy, childhood-onset; CHD2-Related Neurodevelopmental Disorders. Identifiers: Orphanet 1942, Orphanet 2382, MedGen C3809278, MONDO:0014150, OMIM 615369.

Submission:

Labcorp Genetics (formerly Invitae), Labcorp
Classification: Uncertain significance for Developmental and epileptic encephalopathy 94. Last evaluated: 2024-07-06. Review status: criteria provided, single submitter. Criteria: Invitae Variant Classification Sherloc (09022015). Collection method: clinical testing. Allele origin: germline.
Comment: This sequence change replaces alanine, which is neutral and non-polar, with glycine, which is neutral and non-polar, at codon 285 of the CHD2 protein (p.Ala285Gly). This variant is not present in population databases (gnomAD no frequency). This variant has not been reported in the literature in individuals affected with CHD2-related conditions. Advanced modeling of protein sequence and biophysical properties (such as structural, functional, and spatial information, amino acid conservation, physicochemical variation, residue mobility, and thermodynamic stability) performed at Invitae indicates that this missense variant is not expected to disrupt CHD2 protein function with a negative predictive value of 95%. In summary, the available evidence is currently insufficient to determine the role of this variant in disease. Therefore, it has been classified as a Variant of Uncertain Significance.

NM_001271.4(CHD2):c.854C>G (p.Ala285Gly)

Gene: CHD2 (chromodomain helicase DNA binding protein 2; plus strand). Cytogenetic location: 15q26.1.
Variant type: single nucleotide variant.
Coding change: c.854C>G on transcript NM_001271.4 (MANE Select); coding-DNA position 854, C replaced by G.
Protein change: p.Ala285Gly; replaces alanine 285 with glycine.
Molecular consequence: missense variant.
Genome position (GRCh38, 1-based): chr15:92,942,870, C>G. VCF-style: chr15-92942870-C-G. GRCh37 (hg19) VCF-style: chr15-93486100-C-G.
Other names: c.854C>G, p.Ala285Gly (NM_001042572.3); short protein forms A285G.
Identifiers: ClinVar variation 3636665 (VCV003636665.2).